The following is an entry in ClinVar:

ClinVar aggregate classification (germline): Uncertain significance (1 of 4 stars; one submission).

Conditions:
Mucopolysaccharidosis, MPS-III-D (MPS3D). Also called: N-ACETYLGLUCOSAMINE-6-SULFATASE DEFICIENCY; SANFILIPPO SYNDROME D; MPS III D; Mucopoly-saccharidosis type 3D; N-acetylglucosamine-6-sulfate sulfatase deficiency; MPS 3D. Identifiers: Orphanet 581, Orphanet 79272, MedGen C0086650, MONDO:0009658, OMIM 252940.

gnomAD v4.1: 17 of 1,542,282 alleles (0.0011%); highest among the groups gnomAD compares: Non-Finnish European, 0.0015%; no homozygotes.

Submission:

Labcorp Genetics (formerly Invitae), Labcorp
Classification: Uncertain significance for Mucopolysaccharidosis, MPS-III-D. Last evaluated: 2022-10-17. Review status: criteria provided, single submitter. Criteria: Invitae Variant Classification Sherloc (09022015). Collection method: clinical testing. Allele origin: germline.
Comment: This sequence change replaces arginine, which is basic and polar, with glutamine, which is neutral and polar, at codon 12 of the GNS protein (p.Arg12Gln). This variant is not present in population databases (gnomAD no frequency). This variant has not been reported in the literature in individuals affected with GNS-related conditions. Algorithms developed to predict the effect of missense changes on protein structure and function output the following: SIFT: "Tolerated"; PolyPhen-2: "Not Available"; Align-GVGD: "Class C0". The glutamine amino acid residue is found in multiple mammalian species, which suggests that this missense change does not adversely affect protein function. In summary, the available evidence is currently insufficient to determine the role of this variant in disease. Therefore, it has been classified as a Variant of Uncertain Significance.

NM_002076.4(GNS):c.35G>A (p.Arg12Gln)

Gene: GNS (glucosamine (N-acetyl)-6-sulfatase; minus strand). Cytogenetic location: 12q14.3.
Variant type: single nucleotide variant.
Coding change: c.35G>A on transcript NM_002076.4 (MANE Select); coding-DNA position 35, G replaced by A.
Protein change: p.Arg12Gln; replaces arginine 12 with glutamine.
Molecular consequence: missense variant.
Genome position (GRCh38, 1-based): chr12:64,759,242, C>T on the plus strand (G>A on the coding strand, the complement: GNS is on the minus strand). VCF-style: chr12-64759242-C-T. GRCh37 (hg19) VCF-style: chr12-65153022-C-T.
Other names: short protein forms R12Q.
Identifiers: ClinVar variation 2131965 (VCV002131965.1), dbSNP rs2136259563, ClinGen allele CA385613491.